The following is an entry in ClinVar:

ClinVar aggregate classification (germline): Uncertain significance (1 of 4 stars; one submission).

Conditions:
Ehlers-Danlos syndrome, classic type, 1 (EDSCL1). Also called: EHLERS-DANLOS SYNDROME, GRAVIS TYPE; EHLERS-DANLOS SYNDROME, SEVERE CLASSIC TYPE; Ehlers-Danlos syndrome, type 1; Ehlers-Danlos Syndrome, Classic Type, COL5A1-Related; EDS I. Identifiers: MedGen C0268335, MONDO:0019567, OMIM 130000.

Submission:

Labcorp Genetics (formerly Invitae), Labcorp
Classification: Uncertain significance for Ehlers-Danlos syndrome, classic type, 1. Last evaluated: 2025-10-07. Review status: criteria provided, single submitter. Criteria: Invitae Variant Classification Sherloc (09022015). Collection method: clinical testing. Allele origin: germline.
Comment: This sequence change replaces proline, which is neutral and non-polar, with serine, which is neutral and polar, at codon 1700 of the COL5A1 protein (p.Pro1700Ser). This variant is not present in population databases (gnomAD no frequency). This variant has not been reported in the literature in individuals affected with COL5A1-related conditions. Invitae Evidence Modeling of protein sequence and biophysical properties (such as structural, functional, and spatial information, amino acid conservation, physicochemical variation, residue mobility, and thermodynamic stability) indicates that this missense variant is not expected to disrupt COL5A1 protein function with a negative predictive value of 95%. In summary, the available evidence is currently insufficient to determine the role of this variant in disease. Therefore, it has been classified as a Variant of Uncertain Significance.

NM_000093.5(COL5A1):c.5098C>T (p.Pro1700Ser)

Genes: COL5A1 (collagen type V alpha 1 chain; plus strand), LOC101448202 (uncharacterized LOC101448202; minus strand). Cytogenetic location: 9q34.3.
Variant type: single nucleotide variant.
Coding change: c.5098C>T on transcript NM_000093.5 (MANE Select); coding-DNA position 5098, C replaced by T.
Protein change: p.Pro1700Ser; replaces proline 1700 with serine.
Molecular consequence: missense variant. On other transcripts: intron variant (1).
Genome position (GRCh38, 1-based): chr9:134,830,006, C>T. VCF-style: chr9-134830006-C-T. GRCh37 (hg19) VCF-style: chr9-137721852-C-T.
Other names: c.5068-102C>T (NM_001278074.1); short protein forms P1700S.
Identifiers: ClinVar variation 4801885 (VCV004801885.1).